The following is an entry in ClinVar:

NM_031407.7(HUWE1):c.12364C>T (p.Arg4122Cys)

Gene: HUWE1 (HECT, UBA and WWE domain containing E3 ubiquitin protein ligase 1; minus strand). Cytogenetic location: Xp11.22.
Variant type: single nucleotide variant.
Coding change: c.12364C>T on transcript NM_031407.7 (MANE Select); coding-DNA position 12364, C replaced by T.
Protein change: p.Arg4122Cys; replaces arginine 4122 with cysteine.
Molecular consequence: missense variant.
Genome position (GRCh38, 1-based): chrX:53,536,441, G>A on the plus strand (C>T on the coding strand, the complement: HUWE1 is on the minus strand). VCF-style: chrX-53536441-G-A. GRCh37 (hg19) VCF-style: chrX-53563402-G-A.
Other names: short protein forms R4122C.
Identifiers: ClinVar variation 3340622 (VCV003340622.2).
Genomic context (GRCh38, chrX:53,536,441, plus strand): 5'-TGACTGACTTGCCCAAGATGTGTTTGTAAAAGGATCGAGTAAAGTAGCACTCCAGAAGAC[G>A]GTTGTCATATACAGCTTTGGCCACAATGCGTCCGACAAACTTGAAGTAGCTGAGGTGGTT-3'
Protein context (NP_113584.3, residues 4112-4132): RIVAKAVYDN[Arg4122Cys]LLECYFTRSF

ClinVar aggregate classification (germline): Conflicting classifications of pathogenicity. Review status: criteria provided, conflicting classifications (1 of 4 stars). 2 submissions from 2 submitters: Likely pathogenic (1); Uncertain significance (1). Last evaluated 2023-12-23.

Conditions:
Intellectual developmental disorder, X-linked, syndromic, Turner type. Also called: Intellectual disability, X-linked syndromic, Turner type; X-linked intellectual disability, Turner type. Identifiers: Orphanet 3056, Orphanet 85328, MedGen C2678046, MONDO:0010407, OMIM 309590.

Submissions (2):

Institute of Immunology and Genetics Kaiserslautern
Classification: Likely pathogenic for Intellectual developmental disorder, X-linked, syndromic, Turner type. Last evaluated: 2023-12-23. Review status: criteria provided, single submitter. Criteria: ACMG Guidelines, 2015. Collection method: clinical testing. Allele origin: de novo. Affected: yes.
Comment: ACMG Criteria: PS2, PM2; Variant was found in heterozygous state. De novo-status was confirmed via in-house segregation analysis.

GeneDx
Classification: Uncertain significance. Last evaluated: 2023-08-28. Review status: criteria provided, single submitter. Criteria: GeneDx Variant Classification Process June 2021. Collection method: clinical testing. Allele origin: germline. Affected: yes.
Comment: Has not been previously published as pathogenic or benign to our knowledge; Not observed at significant frequency in large population cohorts (gnomAD); In silico analysis supports that this missense variant has a deleterious effect on protein structure/function